The following is an entry in ClinVar:

NM_177438.3(DICER1):c.4864GCT[4] (p.Ala1624dup)

Gene: DICER1 (dicer 1, ribonuclease III; minus strand). Cytogenetic location: 14q32.13.
Variant type: Microsatellite.
Coding change: c.4864GCT[4] on transcript NM_177438.3 (MANE Select); four copies in a row of the 3-base unit GCT starting at c.4864; the reference has three copies in a row; one copy, 3 bases duplicated.
Protein change: p.Ala1624dup; duplicates alanine 1624.
Molecular consequence: inframe insertion.
Genome position (GRCh38, 1-based): chr14:95,096,048-95,096,050, AGC duplicated on the plus strand (GCT on the coding strand, the reverse complement: DICER1 is on the minus strand); duplicating any 3 consecutive bases within chr14:95,096,048-95,096,057 gives the same sequence; the position shown is the placement nearest the transcript's 3' end. VCF-style (leftmost placement, unchanged base first): chr14-95096047-A-AAGC. GRCh37 (hg19) VCF-style: chr14-95562384-A-AAGC.
Other names: c.4864GCT[4], p.Ala1624dup (NM_001195573.1, NM_001271282.3, NM_001291628.2 and 1 more transcripts).
Identifiers: ClinVar variation 1057867 (VCV001057867.7), dbSNP rs2139841486, ClinGen allele CA2580612807.

ClinVar aggregate classification (germline): Uncertain significance (1 of 4 stars; one submission).

Conditions:
DICER1-related tumor predisposition. Also called: DICER1 syndrome; DICER1-related pleuropulmonary blastoma cancer predisposition syndrome. Identifiers: Orphanet 284343, MedGen C3839822, MONDO:0100216.

Submission:

Labcorp Genetics (formerly Invitae), Labcorp
Classification: Uncertain significance for DICER1-related tumor predisposition. Last evaluated: 2021-12-01. Review status: criteria provided, single submitter. Criteria: Invitae Variant Classification Sherloc (09022015). Collection method: clinical testing. Allele origin: germline.
Comment: This variant, c.4870_4872dup, results in the insertion of 1 amino acid(s) of the DICER1 protein (p.Ala1624dup), but otherwise preserves the integrity of the reading frame. This variant is not present in population databases (gnomAD no frequency). This variant has not been reported in the literature in individuals affected with DICER1-related conditions. Experimental studies and prediction algorithms are not available or were not evaluated, and the functional significance of this variant is currently unknown. In summary, the available evidence is currently insufficient to determine the role of this variant in disease. Therefore, it has been classified as a Variant of Uncertain Significance.